The following is an entry in ClinVar:

NM_000163.5(GHR):c.1166G>C (p.Cys389Ser)

Gene: GHR (growth hormone receptor; plus strand). Cytogenetic location: 5p12.
Variant type: single nucleotide variant.
Coding change: c.1166G>C on transcript NM_000163.5 (MANE Select); coding-DNA position 1166, G replaced by C.
Protein change: p.Cys389Ser; replaces cysteine 389 with serine.
Molecular consequence: missense variant. On other transcripts: 3 prime UTR variant (1).
Genome position (GRCh38, 1-based): chr5:42,718,673, G>C. VCF-style: chr5-42718673-G-C. GRCh37 (hg19) VCF-style: chr5-42718775-G-C.
Other names: c.1187G>C, p.Cys396Ser (NM_001242399.2); c.1166G>C, p.Cys389Ser (NM_001242400.2, NM_001242401.4, NM_001242402.2 and 4 more transcripts); c.1100G>C, p.Cys367Ser (NM_001242460.2); c.*208G>C (NM_001242462.1); short protein forms C389S, C396S, C367S.
Identifiers: ClinVar variation 2161574 (VCV002161574.1), dbSNP rs745566908, ClinGen allele CA3254607.

ClinVar aggregate classification (germline): Uncertain significance (1 of 4 stars; one submission).

Allele frequency attached by ClinVar (database versions not stated): gnomAD exomes 0.00001; TOPMed 0.00001; ExAC 0.00002.
gnomAD v4.1: 8 of 1,614,188 alleles (0.0005%); highest among the groups gnomAD compares: Admixed American, 0.013%; no homozygotes.

Submission:

Labcorp Genetics (formerly Invitae), Labcorp
Classification: Uncertain significance. Last evaluated: 2022-07-05. Review status: criteria provided, single submitter. Criteria: Invitae Variant Classification Sherloc (09022015). Collection method: clinical testing. Allele origin: germline.
Comment: This sequence change replaces cysteine, which is neutral and slightly polar, with serine, which is neutral and polar, at codon 389 of the GHR protein (p.Cys389Ser). This variant is present in population databases (rs745566908, gnomAD 0.02%). This variant has not been reported in the literature in individuals affected with GHR-related conditions. Algorithms developed to predict the effect of missense changes on protein structure and function are either unavailable or do not agree on the potential impact of this missense change (SIFT: "Deleterious"; PolyPhen-2: "Probably Damaging"; Align-GVGD: "Class C0"). In summary, the available evidence is currently insufficient to determine the role of this variant in disease. Therefore, it has been classified as a Variant of Uncertain Significance.